The following is an entry in ClinVar:

NM_014141.6(CNTNAP2):c.143T>C (p.Phe48Ser)

Gene: CNTNAP2 (contactin associated protein 2; plus strand). Cytogenetic location: 7q35.
Variant type: single nucleotide variant.
Coding change: c.143T>C on transcript NM_014141.6 (MANE Select); coding-DNA position 143, T replaced by C.
Protein change: p.Phe48Ser; replaces phenylalanine 48 with serine.
Molecular consequence: missense variant.
Genome position (GRCh38, 1-based): chr7:146,774,316, T>C. VCF-style: chr7-146774316-T-C. GRCh37 (hg19) VCF-style: chr7-146471408-T-C.
Other names: short protein forms F48S.
Identifiers: ClinVar variation 1336368 (VCV001336368.8), dbSNP rs551931845, ClinGen allele CA4545705.
Genomic context (GRCh38, chr7:146,774,316, plus strand): 5'-GTCTTTTGTTTTCAGAAAAATGTGATGAGCCACTTGTCTCTGGACTCCCCCATGTGGCTT[T>C]CAGCAGCTCCTCCTCCATCTCTGGTAGCTATTCTCCCGGCTATGCCAAGATAAACAAGAG-3'
Protein context (NP_054860.1, residues 38-58): PLVSGLPHVA[Phe48Ser]SSSSSISGSY

ClinVar aggregate classification (germline): Uncertain significance. Review status: criteria provided, multiple submitters, no conflicts (2 of 4 stars). 2 submissions from 2 submitters: Uncertain significance (2). Last evaluated 2022-06-18.

Conditions:
Cortical dysplasia-focal epilepsy syndrome (PTHSL1). Also called: Pitt-Hopkins-like syndrome 1. Identifiers: Orphanet 163681, Orphanet 221150, MedGen C2750246, MONDO:0012400, OMIM 610042.

Allele frequency attached by ClinVar (database versions not stated): TOPMed 0.00001; gnomAD exomes 0.00004 and 0.00009; gnomAD 0.00005; ExAC 0.00008; 1000 Genomes Project 0.00020; 1000 Genomes Project 30x 0.00031.
gnomAD v4.1: 61 of 1,614,040 alleles (0.0038%); highest among the groups gnomAD compares: South Asian, 0.065%; no homozygotes.

Submissions (2):

Labcorp Genetics (formerly Invitae), Labcorp
Classification: Uncertain significance for Cortical dysplasia-focal epilepsy syndrome. Last evaluated: 2022-06-18. Review status: criteria provided, single submitter. Criteria: Invitae Variant Classification Sherloc (09022015). Collection method: clinical testing. Allele origin: germline.
Comment: This sequence change replaces phenylalanine, which is neutral and non-polar, with serine, which is neutral and polar, at codon 48 of the CNTNAP2 protein (p.Phe48Ser). This variant is present in population databases (rs551931845, gnomAD 0.07%). This variant has not been reported in the literature in individuals affected with CNTNAP2-related conditions. ClinVar contains an entry for this variant (Variation ID: 1336368). Algorithms developed to predict the effect of missense changes on protein structure and function are either unavailable or do not agree on the potential impact of this missense change (SIFT: "Deleterious"; PolyPhen-2: "Benign"; Align-GVGD: "Class C0"). In summary, the available evidence is currently insufficient to determine the role of this variant in disease. Therefore, it has been classified as a Variant of Uncertain Significance.

Genetic Services Laboratory, University of Chicago
Classification: Uncertain significance. Last evaluated: 2017-11-20. Review status: criteria provided, single submitter. Criteria: ACMG Guidelines, 2015. Collection method: clinical testing. Allele origin: germline. Affected: no.